The following is an entry in ClinVar:

NM_001379500.1(COL18A1):c.107-12329G>T

Gene: COL18A1 (collagen type XVIII alpha 1 chain; plus strand). Cytogenetic location: 21q22.3.
Variant type: single nucleotide variant.
Coding change: c.107-12329G>T on transcript NM_001379500.1 (MANE Select); 12329 bases into the intron before coding-DNA position 107, G replaced by T.
Molecular consequence: intron variant. On other transcripts: missense variant (2).
Genome position (GRCh38, 1-based): chr21:45,455,913, G>T. VCF-style: chr21-45455913-G-T. GRCh37 (hg19) VCF-style: chr21-46875827-G-T.
Other names: c.383G>T, p.Trp128Leu (NM_030582.4, NM_130444.3); short protein forms W128L.
Identifiers: ClinVar variation 1470329 (VCV001470329.4), dbSNP rs537323761, ClinGen allele CA10065461.

ClinVar aggregate classification (germline): Uncertain significance (1 of 4 stars; one submission).

Allele frequency attached by ClinVar (database versions not stated): ExAC 0.00001; gnomAD 0.00001; gnomAD exomes 0.00001; TOPMed 0.00001; 1000 Genomes Project 30x 0.00016; 1000 Genomes Project 0.00020.
gnomAD v4.1: 10 of 1,613,080 alleles (0.00062%); highest among the groups gnomAD compares: African/African-American, 0.013%; no homozygotes.

Submission:

Labcorp Genetics (formerly Invitae), Labcorp
Classification: Uncertain significance. Last evaluated: 2022-06-07. Review status: criteria provided, single submitter. Criteria: Invitae Variant Classification Sherloc (09022015). Collection method: clinical testing. Allele origin: germline.
Comment: In summary, the available evidence is currently insufficient to determine the role of this variant in disease. Therefore, it has been classified as a Variant of Uncertain Significance. Experimental studies and prediction algorithms are not available or were not evaluated, and the functional significance of this variant is currently unknown. This variant has not been reported in the literature in individuals affected with COL18A1-related conditions. This variant is present in population databases (rs537323761, gnomAD 0.01%). This sequence change replaces tryptophan, which is neutral and slightly polar, with leucine, which is neutral and non-polar, at codon 128 of the COL18A1 protein (p.Trp128Leu). The COL18A1 gene has multiple clinically relevant transcripts. This variant occurs in alternate transcript NM_030582.4, and corresponds to NM_130445.3:c.107-12329G>T in the primary transcript.